The following is an entry in ClinVar:

NM_000098.3(CPT2):c.980_982delinsATC (p.Leu327_Asp328delinsHisHis)

Gene: CPT2 (carnitine palmitoyltransferase 2; plus strand). Cytogenetic location: 1p32.3.
Variant type: Indel.
Coding change: c.980_982delinsATC on transcript NM_000098.3 (MANE Select); coding-DNA positions 980 to 982, TAG replaced by ATC.
Protein change: p.Leu327_Asp328delinsHisHis.
Molecular consequence: missense variant.
Genome position (GRCh38, 1-based): chr1:53,210,654-53,210,656, TAG replaced by ATC. VCF-style: chr1-53210654-TAG-ATC. GRCh37 (hg19) VCF-style: chr1-53676326-TAG-ATC.
Other names: c.980_982delinsATC, p.Leu327_Asp328delinsHisHis (NM_001330589.2).
Identifiers: ClinVar variation 2727637 (VCV002727637.3), dbSNP rs2525588857, ClinGen allele CA2697552431.

ClinVar aggregate classification (germline): Pathogenic (1 of 4 stars; one submission).

Conditions:
Carnitine palmitoyltransferase II deficiency. Also called: Carnitine Palmitoyltransferase 2 Deficiency. Identifiers: Orphanet 157, MedGen C0342790, MONDO:0015515.

Submission:

Labcorp Genetics (formerly Invitae), Labcorp
Classification: Pathogenic for Carnitine palmitoyltransferase II deficiency. Last evaluated: 2025-06-04. Review status: criteria provided, single submitter. Criteria: Invitae Variant Classification Sherloc (09022015). Collection method: clinical testing. Allele origin: germline.
Comment: This variant, c.980_982delinsATC, is a complex sequence change that results in the deletion of 2 and insertion of 2 amino acid(s) in the CPT2 protein (p.Leu327_Asp328delinsHisHis). Information on the frequency of this variant in the gnomAD database is not available, as this variant may be reported differently in the database. This variant has been observed in individual(s) with clinical features of CPT2 deficiency (internal data). ClinVar contains an entry for this variant (Variation ID: 2727637). Experimental studies and prediction algorithms are not available or were not evaluated, and the functional significance of this variant is currently unknown. This variant disrupts a region of the CPT2 protein in which other variant(s) (p.Asp328Gly) have been determined to be pathogenic (PMID: 12673791). This suggests that this is a clinically significant region of the protein, and that variants that disrupt it are likely to be disease-causing. For these reasons, this variant has been classified as Pathogenic.

Literature cited by the submitters: PubMed 12673791.